The following is an entry in ClinVar:

ClinVar aggregate classification (germline): Uncertain significance (1 of 4 stars; one submission).

Conditions:
Renal cell carcinoma. Identifiers: Orphanet 217071, MedGen C0007134, MeSH D002292, MONDO:0005086, HP:0005584.

Allele frequency attached by ClinVar (database versions not stated): gnomAD exomes below 0.00001.
gnomAD v4.1: 1 of 1,612,882 alleles (0.000062%); highest among the groups gnomAD compares: Non-Finnish European, 0.000085%; no homozygotes.

Submission:

Labcorp Genetics (formerly Invitae), Labcorp
Classification: Uncertain significance for Renal cell carcinoma. Last evaluated: 2019-03-13. Review status: criteria provided, single submitter. Criteria: Invitae Variant Classification Sherloc (09022015). Collection method: clinical testing. Allele origin: germline.
Comment: In summary, this variant is a novel missense change with uncertain impact on protein function. It has been classified as a Variant of Uncertain Significance. Algorithms developed to predict the effect of missense changes on protein structure and function do not agree on the potential impact of this missense change (SIFT: "Deleterious"; PolyPhen-2: "Probably Damaging"; Align-GVGD: "Class C0"). This variant is not present in population databases (ExAC no frequency) and has not been reported in the literature in individuals with a MET-related disease. This sequence change replaces glutamine with arginine at codon 332 of the MET protein (p.Gln332Arg). The glutamine residue is moderately conserved and there is a small physicochemical difference between glutamine and arginine.

NM_000245.4(MET):c.995A>G (p.Gln332Arg)

Gene: MET (MET proto-oncogene, receptor tyrosine kinase; plus strand). Cytogenetic location: 7q31.2.
Variant type: single nucleotide variant.
Coding change: c.995A>G on transcript NM_000245.4 (MANE Select); coding-DNA position 995, A replaced by G.
Protein change: p.Gln332Arg; replaces glutamine 332 with arginine.
Molecular consequence: missense variant. On other transcripts: intron variant (1).
Genome position (GRCh38, 1-based): chr7:116,700,079, A>G. VCF-style: chr7-116700079-A-G. GRCh37 (hg19) VCF-style: chr7-116340133-A-G.
Other names: c.995A>G, p.Gln332Arg (NM_001127500.3, NM_001324401.3); c.-91+27502A>G (NM_001324402.2); short protein forms Q332R.
Identifiers: ClinVar variation 411882 (VCV000411882.10), dbSNP rs1060503529, ClinGen allele CA16612249.